The following is an entry in ClinVar:

NM_031885.5(BBS2):c.155T>A (p.Val52Asp)

Gene: BBS2 (Bardet-Biedl syndrome 2; minus strand). Cytogenetic location: 16q13.
Variant type: single nucleotide variant.
Coding change: c.155T>A on transcript NM_031885.5 (MANE Select); coding-DNA position 155, T replaced by A.
Protein change: p.Val52Asp; replaces valine 52 with aspartic acid.
Molecular consequence: missense variant. On other transcripts: non-coding transcript variant (5).
Genome position (GRCh38, 1-based): chr16:56,514,643, A>T on the plus strand (T>A on the coding strand, the complement: BBS2 is on the minus strand). VCF-style: chr16-56514643-A-T. GRCh37 (hg19) VCF-style: chr16-56548555-A-T.
Other names: c.155T>A, p.Val52Asp (NM_001377456.1); short protein forms V52D.
Identifiers: ClinVar variation 1516284 (VCV001516284.6), dbSNP rs2144193671, ClinGen allele CA395986278.

ClinVar aggregate classification (germline): Uncertain significance (1 of 4 stars; one submission).

Conditions:
Bardet-Biedl syndrome (BBS). Identifiers: Orphanet 110, MedGen C0752166, MONDO:0015229.

Allele frequency attached by ClinVar (database versions not stated): gnomAD exomes below 0.00001.

Submission:

Labcorp Genetics (formerly Invitae), Labcorp
Classification: Uncertain significance for Bardet-Biedl syndrome. Last evaluated: 2021-09-24. Review status: criteria provided, single submitter. Criteria: Invitae Variant Classification Sherloc (09022015). Collection method: clinical testing. Allele origin: germline.
Comment: This sequence change replaces valine with aspartic acid at codon 52 of the BBS2 protein (p.Val52Asp). The valine residue is weakly conserved and there is a large physicochemical difference between valine and aspartic acid. This variant is not present in population databases (ExAC no frequency). This variant has not been reported in the literature in individuals affected with BBS2-related conditions. Algorithms developed to predict the effect of missense changes on protein structure and function are either unavailable or do not agree on the potential impact of this missense change (SIFT: "Deleterious"; PolyPhen-2: "Benign"; Align-GVGD: "Class C15"). In summary, the available evidence is currently insufficient to determine the role of this variant in disease. Therefore, it has been classified as a Variant of Uncertain Significance.